The following is an entry in ClinVar:

NM_152866.3(MS4A1):c.671A>G (p.Lys224Arg)

Gene: MS4A1 (membrane spanning 4-domains A1; plus strand). Cytogenetic location: 11q12.2.
Variant type: single nucleotide variant.
Coding change: c.671A>G on transcript NM_152866.3 (MANE Select); coding-DNA position 671, A replaced by G.
Protein change: p.Lys224Arg; replaces lysine 224 with arginine.
Molecular consequence: missense variant.
Genome position (GRCh38, 1-based): chr11:60,467,056, A>G. VCF-style: chr11-60467056-A-G. GRCh37 (hg19) VCF-style: chr11-60234529-A-G.
Other names: c.671A>G, p.Lys224Arg (NM_021950.4, NM_152867.2); short protein forms K224R.
Identifiers: ClinVar variation 1465816 (VCV001465816.8), dbSNP rs766876522, ClinGen allele CA6025055.
Genomic context (GRCh38, chr11:60,467,056, plus strand): 5'-AGGAACTTGTAATAGCTGGCATCGTTGAGAATGAATGGAAAAGAACGTGCTCCAGACCCA[A>G]ATCTGTAAGTAGTAGCCCCTCTGGCCAAAACCTCCCTCTAGAAAATCCACATCCACAAAG-3'
Protein context (NP_690605.1, residues 214-234): NEWKRTCSRP[Lys224Arg]SNIVLLSAEE

ClinVar aggregate classification (germline): Uncertain significance (1 of 4 stars; one submission).

Allele frequency attached by ClinVar (database versions not stated): gnomAD exomes below 0.00001; ExAC 0.00001; TOPMed 0.00001; gnomAD 0.00003.
gnomAD v4.1: 4 of 1,613,660 alleles (0.00025%); highest among the groups gnomAD compares: African/African-American, 0.0053%; no homozygotes.

Submission:

Labcorp Genetics (formerly Invitae), Labcorp
Classification: Uncertain significance. Last evaluated: 2023-10-09. Review status: criteria provided, single submitter. Criteria: Invitae Variant Classification Sherloc (09022015). Collection method: clinical testing. Allele origin: germline.
Comment: This sequence change replaces lysine, which is basic and polar, with arginine, which is basic and polar, at codon 224 of the MS4A1 protein (p.Lys224Arg). This variant is present in population databases (rs766876522, gnomAD 0.008%). This variant has not been reported in the literature in individuals affected with MS4A1-related conditions. ClinVar contains an entry for this variant (Variation ID: 1465816). Algorithms developed to predict the effect of missense changes on protein structure and function output the following: SIFT: "Not Available"; PolyPhen-2: "Benign"; Align-GVGD: "Not Available". The arginine amino acid residue is found in multiple mammalian species, which suggests that this missense change does not adversely affect protein function. In summary, the available evidence is currently insufficient to determine the role of this variant in disease. Therefore, it has been classified as a Variant of Uncertain Significance.